The following is an entry in ClinVar:

ClinVar aggregate classification (germline): Benign (1 of 4 stars; one submission).

Conditions:
Auriculocondylar syndrome 2 (ARCND2A). Also called: AURICULOCONDYLAR SYNDROME 2A. Identifiers: Orphanet 137888, MedGen C3553404, MONDO:0013845, OMIM 614669.

Allele frequency attached by ClinVar (database versions not stated): gnomAD 0.00098 and 0.00165; TOPMed 0.00114; 1000 Genomes Project 30x 0.00375; 1000 Genomes Project 0.00419.

Submission:

Illumina Laboratory Services, Illumina
Classification: Benign for Auriculocondylar syndrome 2. Last evaluated: 2018-01-12. Review status: criteria provided, single submitter. Criteria: ICSL Variant Classification Criteria 13 December 2019. Collection method: clinical testing. Allele origin: germline.
Comment: This variant was observed in the ICSL laboratory as part of a predisposition screen in an ostensibly healthy population. It had not been previously curated by ICSL or reported in the Human Gene Mutation Database (HGMD: prior to June 1st, 2018), and was therefore a candidate for classification through an automated scoring system. Utilizing variant allele frequency, disease prevalence and penetrance estimates, and inheritance mode, an automated score was calculated to assess if this variant is too frequent to cause the disease. Based on the score and internal cut-off values, a variant classified as benign is not then subjected to further curation. The score for this variant resulted in a classification of benign for this disease.

NM_001377142.1(PLCB4):c.*1487G>C

Gene: PLCB4 (phospholipase C beta 4; plus strand). Cytogenetic location: 20p12.2.
Variant type: single nucleotide variant.
Coding change: c.*1487G>C on transcript NM_001377142.1 (MANE Select); 1487 bases downstream of the stop codon, G replaced by C.
Molecular consequence: 3 prime UTR variant.
Genome position (GRCh38, 1-based): chr20:9,480,496, G>C. VCF-style: chr20-9480496-G-C. GRCh37 (hg19) VCF-style: chr20-9461143-G-C.
Other names: c.*1487G>C (NM_000933.4, NM_001377134.2, NM_001377135.1 and 1 more transcripts); c.*1507G>C (NM_001172646.2, NM_001377136.1, NM_182797.3).
Identifiers: ClinVar variation 339614 (VCV000339614.5), dbSNP rs546587344, ClinGen allele CA10644500.